The following is an entry in ClinVar:

NM_174936.4(PCSK9):c.1004C>T (p.Thr335Ile)

Gene: PCSK9 (proprotein convertase subtilisin/kexin type 9; plus strand). Cytogenetic location: 1p32.3.
Variant type: single nucleotide variant.
Coding change: c.1004C>T on transcript NM_174936.4 (MANE Select); coding-DNA position 1004, C replaced by T.
Protein change: p.Thr335Ile; replaces threonine 335 with isoleucine.
Molecular consequence: missense variant.
Genome position (GRCh38, 1-based): chr1:55,057,338, C>T. VCF-style: chr1-55057338-C-T. GRCh37 (hg19) VCF-style: chr1-55523011-C-T.
Other names: c.1127C>T, p.Thr376Ile (NM_001407240.1); c.1004C>T, p.Thr335Ile (NM_001407241.1, NM_001407244.1, NM_001407247.1); c.1007C>T, p.Thr336Ile (NM_001407242.1); c.947C>T, p.Thr316Ile (NM_001407243.1); c.812C>T, p.Thr271Ile (NM_001407245.1); c.629C>T, p.Thr210Ile (NM_001407246.1); short protein forms T335I, T316I, T376I, T210I, T336I, T271I.
Identifiers: ClinVar variation 1520880 (VCV001520880.7), dbSNP rs779246166, ClinGen allele CA034576.

ClinVar aggregate classification (germline): Uncertain significance. Review status: criteria provided, multiple submitters, no conflicts (2 of 4 stars). 2 submissions from 2 submitters: Uncertain significance (2). Last evaluated 2025-08-04.

Conditions:
Hypercholesterolemia, autosomal dominant, 3 (FHCL3). Also called: PCSK9-Related Familial Hypercholesterolemia, Autosomal Dominant; Familial Hypercholesterolemia, Autosomal Dominant, 3; Familial hypercholesterolemia 3. Identifiers: MedGen C1863551, MONDO:0011369, OMIM 603776.
Familial hypercholesterolemia. Also called: Familial hypercholesterolaemia; Familial hypercholesterolemias. Identifiers: MedGen C0020445, MONDO:0005439.

Allele frequency attached by ClinVar (database versions not stated): ExAC 0.00001; gnomAD exomes 0.00001.
gnomAD v4.1: 5 of 1,613,874 alleles (0.00031%); highest among the groups gnomAD compares: Non-Finnish European, 0.00042%; no homozygotes.

Submissions (2):

Color Diagnostics, LLC DBA Color Health
Classification: Uncertain significance for Familial hypercholesterolemia. Last evaluated: 2025-08-04. Review status: criteria provided, single submitter. Criteria: ACMG Guidelines, 2015. Collection method: clinical testing. Allele origin: germline.
Comment: This missense variant replaces threonine with isoleucine at codon 335 of the PCSK9 protein. Computational prediction suggests that this variant may have deleterious impact on protein structure and function. To our knowledge, functional studies have not been reported for this variant. This variant has not been reported in individuals affected with PCSK9-related disorders in the literature. This variant has been identified in 2/250954 chromosomes in the general population by the Genome Aggregation Database (gnomAD). The available evidence is insufficient to determine the role of this variant in disease conclusively. Therefore, this variant is classified as a Variant of Uncertain Significance.

Labcorp Genetics (formerly Invitae), Labcorp
Classification: Uncertain significance for Hypercholesterolemia, autosomal dominant, 3. Last evaluated: 2021-08-27. Review status: criteria provided, single submitter. Criteria: Invitae Variant Classification Sherloc (09022015). Collection method: clinical testing. Allele origin: germline.
Comment: This sequence change replaces threonine with isoleucine at codon 335 of the PCSK9 protein (p.Thr335Ile). The threonine residue is highly conserved and there is a moderate physicochemical difference between threonine and isoleucine. This variant is present in population databases (rs779246166, ExAC 0.002%). This variant has not been reported in the literature in individuals affected with PCSK9-related conditions. Advanced modeling of protein sequence and biophysical properties (such as structural, functional, and spatial information, amino acid conservation, physicochemical variation, residue mobility, and thermodynamic stability) performed at Invitae indicates that this missense variant is expected to disrupt PCSK9 protein function. In summary, the available evidence is currently insufficient to determine the role of this variant in disease. Therefore, it has been classified as a Variant of Uncertain Significance.